The following is an entry in ClinVar:

ClinVar aggregate classification (germline): Uncertain significance (1 of 4 stars; one submission).

Allele frequency attached by ClinVar (database versions not stated): TOPMed below 0.00001; ExAC 0.00001; gnomAD 0.00001; 1000 Genomes Project 0.00020; 1000 Genomes Project 30x 0.00031.

Submission:

Labcorp Genetics (formerly Invitae), Labcorp
Classification: Uncertain significance. Last evaluated: 2022-04-21. Review status: criteria provided, single submitter. Criteria: Invitae Variant Classification Sherloc (09022015). Collection method: clinical testing. Allele origin: germline.
Comment: This sequence change replaces leucine, which is neutral and non-polar, with phenylalanine, which is neutral and non-polar, at codon 42 of the USH1C protein (p.Leu42Phe). This variant is present in population databases (rs545856155, gnomAD 0.003%). This variant has not been reported in the literature in individuals affected with USH1C-related conditions. Algorithms developed to predict the effect of missense changes on protein structure and function (SIFT, PolyPhen-2, Align-GVGD) all suggest that this variant is likely to be tolerated. In summary, the available evidence is currently insufficient to determine the role of this variant in disease. Therefore, it has been classified as a Variant of Uncertain Significance.

NM_153676.4(USH1C):c.124C>T (p.Leu42Phe)

Gene: USH1C (USH1 protein network component harmonin; minus strand). Cytogenetic location: 11p15.1.
Variant type: single nucleotide variant.
Coding change: c.124C>T on transcript NM_153676.4 (MANE Select); coding-DNA position 124, C replaced by T.
Protein change: p.Leu42Phe; replaces leucine 42 with phenylalanine.
Molecular consequence: missense variant. On other transcripts: non-coding transcript variant (1).
Genome position (GRCh38, 1-based): chr11:17,531,523, G>A on the plus strand (C>T on the coding strand, the complement: USH1C is on the minus strand). VCF-style: chr11-17531523-G-A. GRCh37 (hg19) VCF-style: chr11-17553070-G-A.
Other names: c.124C>T, p.Leu42Phe (NM_001297764.2, NM_005709.4); short protein forms L42F.
Identifiers: ClinVar variation 1983602 (VCV001983602.4), dbSNP rs545856155, ClinGen allele CA5905158.